The following is an entry in ClinVar:

ClinVar aggregate classification (germline): Benign/Likely benign. Review status: criteria provided, multiple submitters, no conflicts (2 of 4 stars). 5 submissions from 5 submitters: Benign (4); Likely benign (1). Last evaluated 2025-03-18.

Conditions:
Tumor predisposition syndrome 3 (TPDS3). Also called: Glioma susceptibility 9; LONG TELOMERE SYNDROME, POT1-RELATED; POT1 Tumor Predisposition; Melanoma, cutaneous malignant, susceptibility to, 10. Identifiers: Orphanet 618, MedGen C4014476, MONDO:0014368, OMIM 615848.

Allele frequency attached by ClinVar (database versions not stated): ESP Exome Variant Server 0.09757; 1000 Genomes Project 0.58207; 1000 Genomes Project 30x 0.58260; gnomAD exomes 0.58263 and 0.60121; ExAC 0.59027; gnomAD 0.60082 and 0.60123; TOPMed 0.60552.
gnomAD v4.1: 944,752 of 1,572,614 alleles (60%); highest among the groups gnomAD compares: African/African-American, 65%; 285,279 homozygotes.

Submissions (5):

Labcorp Genetics (formerly Invitae), Labcorp
Classification: Benign for Tumor predisposition syndrome 3. Last evaluated: 2025-03-18. Review status: criteria provided, single submitter. Criteria: Invitae Variant Classification Sherloc (09022015). Collection method: clinical testing. Allele origin: germline.

Blueprint Genetics
Classification: Likely benign. Last evaluated: 2024-11-27. Review status: criteria provided, single submitter. Criteria: ACMG Guidelines, 2015. Collection method: clinical testing. Allele origin: germline.

Mayo Clinic Laboratories, Mayo Clinic
Classification: Benign. Last evaluated: 2022-09-06. Review status: criteria provided, single submitter. Criteria: ACMG Guidelines, 2015. Collection method: clinical testing. Allele origin: germline. Observed: 553 variant alleles.

GeneDx
Classification: Benign. Last evaluated: 2017-10-11. Review status: criteria provided, single submitter. Criteria: GeneDx Variant Classification (06012015). Collection method: clinical testing. Allele origin: germline. Affected: yes.
Comment: This variant is considered likely benign or benign based on one or more of the following criteria: it is a conservative change, it occurs at a poorly conserved position in the protein, it is predicted to be benign by multiple in silico algorithms, and/or has population frequency not consistent with disease.

Breakthrough Genomics
Classification: Benign. Review status: criteria provided, single submitter. Criteria: ACMG Guidelines, 2015. Collection method: not provided. Allele origin: germline. Inheritance: Autosomal dominant inheritance. Affected: yes.

NM_015450.3(POT1):c.702+9T>G

Gene: POT1 (protection of telomeres 1; minus strand). Cytogenetic location: 7q31.33.
Variant type: single nucleotide variant.
Coding change: c.702+9T>G on transcript NM_015450.3 (MANE Select); 9 bases into the intron after coding-DNA position 702, T replaced by G.
Molecular consequence: intron variant.
Genome position (GRCh38, 1-based): chr7:124,858,948, A>C on the plus strand (T>G on the coding strand, the complement: POT1 is on the minus strand). VCF-style: chr7-124858948-A-C. GRCh37 (hg19) VCF-style: chr7-124499002-A-C.
Other names: p.?; c.309+9T>G (NM_001042594.2).
Identifiers: ClinVar variation 516584 (VCV000516584.12), dbSNP rs6977407, ClinGen allele CA4465391.